The following is an entry in ClinVar:

NM_016373.4(WWOX):c.791G>A (p.Arg264Gln)

Gene: WWOX (WW domain containing oxidoreductase; plus strand). Cytogenetic location: 16q23.1.
Variant type: single nucleotide variant.
Coding change: c.791G>A on transcript NM_016373.4 (MANE Select); coding-DNA position 791, G replaced by A.
Protein change: p.Arg264Gln; replaces arginine 264 with glutamine.
Molecular consequence: missense variant.
Genome position (GRCh38, 1-based): chr16:78,425,055, G>A. VCF-style: chr16-78425055-G-A. GRCh37 (hg19) VCF-style: chr16-78458952-G-A.
Other names: c.452G>A, p.Arg151Gln (NM_001291997.2); c.791G>A (NM_016373.2); short protein forms R151Q, R264Q.
Identifiers: ClinVar variation 2183751 (VCV002183751.2), dbSNP rs982607423, ClinGen allele CA284540362.

ClinVar aggregate classification (germline): Uncertain significance. Review status: criteria provided, multiple submitters, no conflicts (2 of 4 stars). 2 submissions from 2 submitters: Uncertain significance (2). Last evaluated 2024-11-12.

Conditions:
Developmental and epileptic encephalopathy, 1 (DEE1). Also called: Epileptic encephalopathy, early infantile, 1; X-Linked Infantile Spasm Syndrome; X-linked infantile spasms; West's syndrome; Tonic spasms with clustering, arrest of psychomotor development and hypsarrhythmia on EEG; OHTAHARA SYNDROME, X-LINKED. Identifiers: MedGen C3463992, MONDO:0010632, OMIM 308350. Disease mechanism: loss of function.
Autosomal recessive spinocerebellar ataxia 12. Also called: SPINOCEREBELLAR ATAXIA WITH MENTAL RETARDATION AND EPILEPSY. Identifiers: Orphanet 284282, MedGen C3280452, MONDO:0013687, OMIM 614322.
Inborn genetic diseases. Identifiers: MedGen C0950123, MeSH D030342.

Allele frequency attached by ClinVar (database versions not stated): gnomAD 0.00001; TOPMed 0.00001.
gnomAD v4.1: 13 of 1,613,304 alleles (0.00081%); highest among the groups gnomAD compares: Admixed American, 0.0017%; no homozygotes.

Submissions (2):

Ambry Genetics
Classification: Uncertain significance for Inborn genetic diseases. Last evaluated: 2024-11-12. Review status: criteria provided, single submitter. Criteria: Ambry Variant Classification Scheme 2023. Collection method: clinical testing. Allele origin: germline.
Comment: Occurs in the last base pair of the exon Based on insufficient or conflicting evidence, the clinical significance of this alteration remains unclear.

Labcorp Genetics (formerly Invitae), Labcorp
Classification: Uncertain significance for Developmental and epileptic encephalopathy, 1; Autosomal recessive spinocerebellar ataxia 12. Last evaluated: 2021-12-12. Review status: criteria provided, single submitter. Criteria: Invitae Variant Classification Sherloc (09022015). Collection method: clinical testing. Allele origin: germline.
Comment: This sequence change replaces arginine, which is basic and polar, with glutamine, which is neutral and polar, at codon 264 of the WWOX protein (p.Arg264Gln). This variant also falls at the last nucleotide of exon 7, which is part of the consensus splice site for this exon. This variant is present in population databases (no rsID available, gnomAD 0.003%). This variant has not been reported in the literature in individuals affected with WWOX-related conditions. Algorithms developed to predict the effect of missense changes on protein structure and function are either unavailable or do not agree on the potential impact of this missense change (SIFT: "Not Available"; PolyPhen-2: "Possibly Damaging"; Align-GVGD: "Not Available"). Variants that disrupt the consensus splice site are a relatively common cause of aberrant splicing (PMID: 17576681, 9536098). Algorithms developed to predict the effect of sequence changes on RNA splicing suggest that this variant may disrupt the consensus splice site. In summary, the available evidence is currently insufficient to determine the role of this variant in disease. Therefore, it has been classified as a Variant of Uncertain Significance.

Literature cited by the submitters: PubMed 17576681 (cited by Labcorp Genetics (formerly Invitae), Labcorp); PubMed 9536098 (cited by Labcorp Genetics (formerly Invitae), Labcorp).